The following is an entry in ClinVar:

NM_000542.5(SFTPB):c.317A>G (p.Lys106Arg)

Gene: SFTPB (surfactant protein B; minus strand). Cytogenetic location: 2p11.2.
Variant type: single nucleotide variant.
Coding change: c.317A>G on transcript NM_000542.5 (MANE Select); coding-DNA position 317, A replaced by G.
Protein change: p.Lys106Arg; replaces lysine 106 with arginine.
Molecular consequence: missense variant.
Genome position (GRCh38, 1-based): chr2:85,666,693, T>C on the plus strand (A>G on the coding strand, the complement: SFTPB is on the minus strand). VCF-style: chr2-85666693-T-C. GRCh37 (hg19) VCF-style: chr2-85893816-T-C.
Other names: c.317A>G, p.Lys106Arg (NM_001367281.2, NM_198843.4); short protein forms K106R.
Identifiers: ClinVar variation 4701535 (VCV004701535.1).
Genomic context (GRCh38, chr2:85,666,693, plus strand): 5'-TAGTCGATGACCAGGGGGAAGTAGTCGTCAAGCACTTGGTTGCACTGGGGCATGAGCAGC[T>C]TCAAGGGGAGGACGTTGCACTCCTGCTCCAGGAACTTCCTCATCGTGTCCTGGGAGGCCA-3'
Protein context (NP_000533.4, residues 96-116): LEQECNVLPL[Lys106Arg]LLMPQCNQVL

ClinVar aggregate classification (germline): Uncertain significance (1 of 4 stars; one submission).

gnomAD v4.1: 1 of 1,613,826 alleles (0.000062%); highest among the groups gnomAD compares: Non-Finnish European, 0.000085%; no homozygotes.

Submission:

Labcorp Genetics (formerly Invitae), Labcorp
Classification: Uncertain significance. Last evaluated: 2025-12-02. Review status: criteria provided, single submitter. Criteria: Invitae Variant Classification Sherloc (09022015). Collection method: clinical testing. Allele origin: germline.
Comment: This sequence change replaces lysine, which is basic and polar, with arginine, which is basic and polar, at codon 118 of the SFTPB protein (p.Lys118Arg). This variant is not present in population databases (gnomAD no frequency). This variant has not been reported in the literature in individuals affected with SFTPB-related conditions. Invitae Evidence Modeling of protein sequence and biophysical properties (such as structural, functional, and spatial information, amino acid conservation, physicochemical variation, residue mobility, and thermodynamic stability) indicates that this missense variant is expected to disrupt SFTPB protein function with a positive predictive value of 80%. In summary, the available evidence is currently insufficient to determine the role of this variant in disease. Therefore, it has been classified as a Variant of Uncertain Significance.